The following is an entry in ClinVar:

NM_006231.4(POLE):c.285+3_285+8del

Gene: POLE (DNA polymerase epsilon, catalytic subunit; minus strand). Cytogenetic location: 12q24.33.
Variant type: Deletion.
Coding change: c.285+3_285+8del on transcript NM_006231.4 (MANE Select); bases 3 to 8 of the intron after coding-DNA position 285, 6 bases deleted (AAGCCC; older notation c.285+3_285+8delAAGCCC).
Molecular consequence: intron variant.
Genome position (GRCh38, 1-based): chr12:132,680,599-132,680,604, GGGCTT deleted on the plus strand (AAGCCC on the coding strand, the reverse complement: POLE is on the minus strand). VCF-style (leftmost placement, unchanged base first): chr12-132680598-GGGGCTT-G. GRCh37 (hg19) VCF-style: chr12-133257184-GGGGCTT-G.
Identifiers: ClinVar variation 1055564 (VCV001055564.7), dbSNP rs2136030873, ClinGen allele CA2499221559.

ClinVar aggregate classification (germline): Uncertain significance (1 of 4 stars; one submission).

Submission:

Labcorp Genetics (formerly Invitae), Labcorp
Classification: Uncertain significance. Last evaluated: 2020-08-06. Review status: criteria provided, single submitter. Criteria: Invitae Variant Classification Sherloc (09022015). Collection method: clinical testing. Allele origin: germline.
Comment: In summary, the available evidence is currently insufficient to determine the role of this variant in disease. Therefore, it has been classified as a Variant of Uncertain Significance. Nucleotide substitutions within the consensus splice site are a relatively common cause of aberrant splicing (PMID: 17576681, 9536098). Algorithms developed to predict the effect of sequence changes on RNA splicing suggest that this variant may disrupt the consensus splice site, but this prediction has not been confirmed by published transcriptional studies. This variant has not been reported in the literature in individuals with POLE-related conditions. This variant is not present in population databases (ExAC no frequency). This sequence change falls in intron 3 of the POLE gene. It does not directly change the encoded amino acid sequence of the POLE protein, but it affects a nucleotide within the consensus splice site of the intron.

Literature cited by the submitters: PubMed 17576681; PubMed 9536098.